The following is an entry in ClinVar:

NM_005219.5(DIAPH1):c.2015G>T (p.Gly672Val)

Gene: DIAPH1 (diaphanous related formin 1; minus strand). Cytogenetic location: 5q31.3.
Variant type: single nucleotide variant.
Coding change: c.2015G>T on transcript NM_005219.5 (MANE Select); coding-DNA position 2015, G replaced by T.
Protein change: p.Gly672Val; replaces glycine 672 with valine.
Molecular consequence: missense variant.
Genome position (GRCh38, 1-based): chr5:141,573,835, C>A on the plus strand (G>T on the coding strand, the complement: DIAPH1 is on the minus strand). VCF-style: chr5-141573835-C-A. GRCh37 (hg19) VCF-style: chr5-140953402-C-A.
Other names: c.1988G>T, p.Gly663Val (NM_001079812.3); c.2015G>T, p.Gly672Val (NM_001314007.2); short protein forms G663V, G672V.
Identifiers: ClinVar variation 3754599 (VCV003754599.2).

ClinVar aggregate classification (germline): Uncertain significance (1 of 4 stars; one submission).

Conditions:
Autosomal dominant nonsyndromic hearing loss 1. Also called: KONIGSMARK SYNDROME; DEAFNESS, AUTOSOMAL DOMINANT 1, WITH OR WITHOUT THROMBOCYTOPENIA. Identifiers: Orphanet 90635, MedGen C1852282, MONDO:0007424, OMIM 124900.
Progressive microcephaly-seizures-cortical blindness-developmental delay syndrome. Also called: Seizures, cortical blindness, and microcephaly syndrome. Identifiers: Orphanet 477814, MedGen C5567650, MONDO:0014714, OMIM 616632.

gnomAD v4.1: 1 of 1,520,010 alleles (0.000066%); highest among the groups gnomAD compares: Non-Finnish European, 0.000088%; no homozygotes.

Submission:

Labcorp Genetics (formerly Invitae), Labcorp
Classification: Uncertain significance for Progressive microcephaly-seizures-cortical blindness-developmental delay syndrome; Autosomal dominant nonsyndromic hearing loss 1. Last evaluated: 2025-08-15. Review status: criteria provided, single submitter. Criteria: Invitae Variant Classification Sherloc (09022015). Collection method: clinical testing. Allele origin: germline.
Comment: This sequence change replaces glycine, which is neutral and non-polar, with valine, which is neutral and non-polar, at codon 672 of the DIAPH1 protein (p.Gly672Val). This variant is present in population databases (no rsID available, gnomAD 0.002%). This variant has not been reported in the literature in individuals affected with DIAPH1-related conditions. ClinVar contains an entry for this variant (Variation ID: 3754599). An algorithm developed to predict the effect of missense changes on protein structure and function outputs the following: PolyPhen-2: "Not Available". The valine amino acid residue is found in multiple mammalian species, which suggests that this missense change does not adversely affect protein function. In summary, the available evidence is currently insufficient to determine the role of this variant in disease. Therefore, it has been classified as a Variant of Uncertain Significance.